The following is an entry in ClinVar:

NC_000019.9:g.(?_54621659)_(54628055_?)del

Gene: PRPF31 (pre-mRNA processing factor 31; plus strand). Cytogenetic location: 19q13.42.
Variant type: Deletion.
Identifiers: ClinVar variation 2426196 (VCV002426196.5).

ClinVar aggregate classification (germline): Pathogenic (1 of 4 stars; one submission).

Submission:

Labcorp Genetics (formerly Invitae), Labcorp
Classification: Pathogenic. Last evaluated: 2022-08-09. Review status: criteria provided, single submitter. Criteria: Invitae Variant Classification Sherloc (09022015). Collection method: clinical testing. Allele origin: germline.
Comment: For these reasons, this variant has been classified as Pathogenic. A similar copy number variant has been observed in individual(s) with retinitis pigmentosa (PMID: 34198599). This variant is a gross deletion of the genomic region encompassing exon(s) 2-8 of the PRPF31 gene, which includes the initiator codon. This deletion extends beyond the assayed region for this gene and therefore may encompass additional genes. It is expected to result in an absent or disrupted protein product. Loss-of-function variants in PRPF31 are known to be pathogenic (PMID: 18317597, 23950152).

Literature cited by the submitters: PubMed 34198599; PubMed 18317597; PubMed 23950152.